The following is an entry in ClinVar:

NM_005530.3(IDH3A):c.316G>A (p.Gly106Ser)

Gene: IDH3A (isocitrate dehydrogenase (NAD(+)) 3 catalytic subunit alpha; plus strand). Cytogenetic location: 15q25.1.
Variant type: single nucleotide variant.
Coding change: c.316G>A on transcript NM_005530.3 (MANE Select); coding-DNA position 316, G replaced by A.
Protein change: p.Gly106Ser; replaces glycine 106 with serine.
Molecular consequence: missense variant.
Genome position (GRCh38, 1-based): chr15:78,161,607, G>A. VCF-style: chr15-78161607-G-A. GRCh37 (hg19) VCF-style: chr15-78453949-G-A.
Other names: short protein forms G106S.
Identifiers: ClinVar variation 1715161 (VCV001715161.6), dbSNP rs1189817345, ClinGen allele CA393542222.

ClinVar aggregate classification (germline): Uncertain significance. Review status: criteria provided, multiple submitters, no conflicts (2 of 4 stars). 2 submissions from 2 submitters: Uncertain significance (2). Last evaluated 2024-05-09.

Allele frequency attached by ClinVar (database versions not stated): gnomAD exomes below 0.00001; gnomAD 0.00001; TOPMed 0.00001.
gnomAD v4.1: 4 of 1,613,610 alleles (0.00025%); highest among the groups gnomAD compares: Non-Finnish European, 0.00025%; no homozygotes.

Submissions (2):

Blueprint Genetics
Classification: Uncertain significance. Last evaluated: 2024-05-09. Review status: criteria provided, single submitter. Criteria: ACMG Guidelines, 2015. Collection method: clinical testing. Allele origin: germline.

Labcorp Genetics (formerly Invitae), Labcorp
Classification: Uncertain significance. Last evaluated: 2022-10-17. Review status: criteria provided, single submitter. Criteria: Invitae Variant Classification Sherloc (09022015). Collection method: clinical testing. Allele origin: germline.
Comment: This sequence change replaces glycine, which is neutral and non-polar, with serine, which is neutral and polar, at codon 106 of the IDH3A protein (p.Gly106Ser). This variant is present in population databases (no rsID available, gnomAD 0.007%). This variant has not been reported in the literature in individuals affected with IDH3A-related conditions. Advanced modeling of protein sequence and biophysical properties (such as structural, functional, and spatial information, amino acid conservation, physicochemical variation, residue mobility, and thermodynamic stability) performed at Invitae indicates that this missense variant is not expected to disrupt IDH3A protein function. In summary, the available evidence is currently insufficient to determine the role of this variant in disease. Therefore, it has been classified as a Variant of Uncertain Significance.